The following is an entry in ClinVar:

NM_001040108.2(MLH3):c.4091-22_4091-20del

Gene: MLH3 (mutL homolog 3; minus strand). Cytogenetic location: 14q24.3.
Variant type: Microsatellite.
Coding change: c.4091-22_4091-20del on transcript NM_001040108.2 (MANE Select); 22 bases into the intron before coding-DNA position 4091 through 20 bases into the intron before coding-DNA position 4091, 3 bases deleted (CTT; older notation c.4091-22_4091-20delCTT).
Molecular consequence: intron variant.
Genome position (GRCh38, 1-based): chr14:75,019,000-75,019,002, AAG deleted on the plus strand (CTT on the coding strand, the reverse complement: MLH3 is on the minus strand); deleting any 3 consecutive bases within chr14:75,019,000-75,019,005 gives the same sequence; the c. name uses the placement nearest the transcript's 3' end. VCF-style (leftmost placement, unchanged base first): chr14-75018999-CAAG-C. GRCh37 (hg19) VCF-style: chr14-75485702-CAAG-C.
Other names: c.4019-22_4019-20del (NM_014381.3).
Identifiers: ClinVar variation 4701265 (VCV004701265.2).

ClinVar aggregate classification (germline): Benign/Likely benign. Review status: criteria provided, multiple submitters, no conflicts (2 of 4 stars). 2 submissions from 2 submitters: Benign (1); Likely benign (1). Last evaluated 2026-05-06.

Conditions:
Colorectal cancer, hereditary nonpolyposis, type 7. Identifiers: Orphanet 144, MedGen C1858380, MONDO:0013725, OMIM 614385.

Submissions (2):

Myriad Genetics, Inc.
Classification: Benign for Colorectal cancer, hereditary nonpolyposis, type 7. Last evaluated: 2026-05-06. Review status: criteria provided, single submitter. Criteria: Myriad Autosomal Dominant, Autosomal Recessive and X-Linked Classification Criteria (2023). Collection method: clinical testing. Allele origin: unknown.
Comment: This variant is considered benign. This variant is intronic and is not expected to impact mRNA splicing.

Labcorp Genetics (formerly Invitae), Labcorp
Classification: Likely benign for Colorectal cancer, hereditary nonpolyposis, type 7. Last evaluated: 2025-09-22. Review status: criteria provided, single submitter. Criteria: Invitae Variant Classification Sherloc (09022015). Collection method: clinical testing. Allele origin: germline.